The following is an entry in ClinVar:

ClinVar aggregate classification (germline): Conflicting classifications of pathogenicity. Review status: criteria provided, conflicting classifications (1 of 4 stars). 11 submissions from 11 submitters: Uncertain significance (1); Benign (5); Likely benign (5). Last evaluated 2026-09-01.

Conditions:
Noonan syndrome and Noonan-related syndrome. Identifiers: Orphanet 98733, MedGen C5681679, MONDO:0020297.
Hereditary cancer-predisposing syndrome. Also called: Hereditary Cancer Syndrome; Neoplastic Syndromes, Hereditary; Tumor predisposition; Hereditary neoplastic syndrome. Identifiers: Orphanet 140162, MedGen C0027672, MeSH D009386, MONDO:0015356.
Cardiovascular phenotype. Identifiers: MedGen CN230736.

Allele frequency attached by ClinVar (database versions not stated): ExAC 0.00166; gnomAD exomes 0.00180; gnomAD 0.00218 and 0.00222; TOPMed 0.00237; ESP Exome Variant Server 0.00269; 1000 Genomes Project 30x 0.00125; 1000 Genomes Project 0.00140.
gnomAD v4.1: 4,883 of 1,613,168 alleles (0.3%); highest among the groups gnomAD compares: Non-Finnish European, 0.38%; 13 homozygotes.

Submissions (11):

CeGaT Center for Human Genetics Tuebingen
Classification: Likely benign. Last evaluated: 2026-09-01. Review status: criteria provided, single submitter. Criteria: CeGaT Center For Human Genetics Tuebingen Variant Classification Criteria Version 2. Collection method: clinical testing. Allele origin: germline. Affected: yes. Observed: 27 variant alleles.
Comment: LZTR1: BS2

Dasa
Classification: Benign. Last evaluated: 2026-02-03. Review status: criteria provided, single submitter. Criteria: DASA Assertion Criteria. Collection method: clinical testing. Allele origin: germline.
Comment: NM_006767.4(LZTR1):c.2187C>T (p.Tyr729=) is a synonymous variant predicted not to alter the encoded amino acid sequence. Population frequency is inconsistent with a disease-causing role for this variant. Therefore, based on the currently available evidence, this variant is classified as benign.

Labcorp Genetics (formerly Invitae), Labcorp
Classification: Benign. Last evaluated: 2026-02-03. Review status: criteria provided, single submitter. Criteria: Invitae Variant Classification Sherloc (09022015). Collection method: clinical testing. Allele origin: germline.

Mayo Clinic Laboratories, Mayo Clinic
Classification: Likely benign. Last evaluated: 2025-10-23. Review status: criteria provided, single submitter. Criteria: ACMG Guidelines, 2015. Collection method: clinical testing. Allele origin: germline. Observed: 6 variant alleles.
Comment: BS1, BP4, BP7

ARUP Laboratories, Molecular Genetics and Genomics, ARUP Laboratories
Classification: Benign. Last evaluated: 2025-02-04. Review status: criteria provided, single submitter. Criteria: ARUP Molecular Germline Variant Investigation Process 2024. Collection method: clinical testing. Allele origin: germline.

Blueprint Genetics
Classification: Likely benign. Last evaluated: 2024-11-26. Review status: criteria provided, single submitter. Criteria: ACMG Guidelines, 2015. Collection method: clinical testing. Allele origin: germline.

Institute for Clinical Genetics, University Hospital TU Dresden, University Hospital TU Dresden
Classification: Uncertain significance. Last evaluated: 2021-11-03. Review status: criteria provided, single submitter. Criteria: ACMG Guidelines, 2015. Collection method: clinical testing. Allele origin: germline.

GeneDx
Classification: Likely benign. Last evaluated: 2021-09-17. Review status: criteria provided, single submitter. Criteria: GeneDx Variant Classification Process June 2021. Collection method: clinical testing. Allele origin: germline. Affected: yes.

Genome Diagnostics Laboratory, The Hospital for Sick Children
Classification: Benign for Noonan syndrome and Noonan-related syndrome. Last evaluated: 2021-03-18. Review status: criteria provided, single submitter. Criteria: ACMG Guidelines, 2015. Collection method: clinical testing. Allele origin: germline.

Women's Health and Genetics/Laboratory Corporation of America, LabCorp
Classification: Benign. Last evaluated: 2019-12-23. Review status: criteria provided, single submitter. Criteria: LabCorp Variant Classification Summary - May 2015. Collection method: clinical testing. Allele origin: germline.

Ambry Genetics
Classification: Likely benign for Cardiovascular phenotype; Hereditary cancer-predisposing syndrome. Last evaluated: 2019-01-03. Review status: criteria provided, single submitter. Criteria: Ambry Variant Classification Scheme 2023. Collection method: clinical testing. Allele origin: germline.

NM_006767.4(LZTR1):c.2187C>T (p.Tyr729=)

Gene: LZTR1 (leucine zipper like post translational regulator 1; plus strand). Cytogenetic location: 22q11.21.
Variant type: single nucleotide variant.
Coding change: c.2187C>T on transcript NM_006767.4 (MANE Select); coding-DNA position 2187, C replaced by T.
Protein change: p.Tyr729=; no amino-acid change (tyrosine 729 retained).
Molecular consequence: synonymous variant.
Genome position (GRCh38, 1-based): chr22:20,996,080, C>T. VCF-style: chr22-20996080-C-T. GRCh37 (hg19) VCF-style: chr22-21350369-C-T.
Other names: p.Tyr729=.
Identifiers: ClinVar variation 561625 (VCV000561625.49), dbSNP rs117346988, ClinGen allele CA10119268.
Genomic context (GRCh38, chr22:20,996,080, plus strand): 5'-CATCGGGGAGATGGTGCCCAGCAGGCAGGCCTTCGAGTCCATGCTGCGCTACATCTACTA[C>T]GGCGAGGTCAACATGCCGCCCGAGGACTCGCTGCATCCTCACTCCCCAGTGAACTCCCAG-3'
Protein context (NP_006758.2, residues 719-739): AFESMLRYIY[Tyr729=]GEVNMPPEDS